The following is an entry in ClinVar:

ClinVar aggregate classification (germline): Uncertain significance (1 of 4 stars; one submission).

Conditions:
Inborn genetic diseases. Identifiers: MedGen C0950123, MeSH D030342.

gnomAD v4.1: 1 of 1,582,756 alleles (0.000063%); highest among the groups gnomAD compares: Non-Finnish European, 0.000086%; no homozygotes.

Submission:

Ambry Genetics
Classification: Uncertain significance for Inborn genetic diseases. Last evaluated: 2025-03-27. Review status: criteria provided, single submitter. Criteria: Ambry Variant Classification Scheme 2023. Collection method: clinical testing. Allele origin: germline.
Comment: The p.S486F variant (also known as c.1457C>T), located in coding exon 16 of the RTEL1 gene, results from a C to T substitution at nucleotide position 1457. The serine at codon 486 is replaced by phenylalanine, an amino acid with highly dissimilar properties. This amino acid position is conserved. In addition, the in silico prediction for this alteration is inconclusive. Based on the available evidence, the clinical significance of this variant remains unclear.

NM_001283009.2(RTEL1):c.1457C>T (p.Ser486Phe)

Genes: RTEL1 (regulator of telomere elongation helicase 1; plus strand), RTEL1-TNFRSF6B (RTEL1-TNFRSF6B readthrough (NMD candidate); plus strand). Cytogenetic location: 20q13.33.
Variant type: single nucleotide variant.
Coding change: c.1457C>T on transcript NM_001283009.2 (MANE Select); coding-DNA position 1457, C replaced by T.
Protein change: p.Ser486Phe; replaces serine 486 with phenylalanine.
Molecular consequence: missense variant. On other transcripts: non-coding transcript variant (1).
Genome position (GRCh38, 1-based): chr20:63,687,746, C>T. VCF-style: chr20-63687746-C-T. GRCh37 (hg19) VCF-style: chr20-62319099-C-T.
Other names: c.788C>T, p.Ser263Phe (NM_001283010.1); c.1457C>T, p.Ser486Phe (NM_016434.4); c.1529C>T, p.Ser510Phe (NM_032957.5); short protein forms S263F, S510F, S486F.
Identifiers: ClinVar variation 3948260 (VCV003948260.1).
Genomic context (GRCh38, chr20:63,687,746, plus strand): 5'-AGCTGGTCCGCCAGGGCGTCCGCTCCCTCATCCTTACCAGCGGCACGCTGGCCCCGGTGT[C>T]CTCCTTTGCTCTGGAGATGCAGATGTACGGGCCACCCCTGCCAGGGCCTGAGCACCGGTG-3'
Protein context (NP_001269938.1, residues 476-496): ILTSGTLAPV[Ser486Phe]SFALEMQIPF